The following is an entry in ClinVar:

ClinVar aggregate classification (germline): Uncertain significance (1 of 4 stars; one submission).

Conditions:
Primary ciliary dyskinesia. Also called: Ciliary dyskinesia. Identifiers: Orphanet 244, MedGen C0008780, MONDO:0016575, HP:0012265.

Submission:

Labcorp Genetics (formerly Invitae), Labcorp
Classification: Uncertain significance for Primary ciliary dyskinesia. Last evaluated: 2017-05-03. Review status: criteria provided, single submitter. Criteria: Invitae Variant Classification Sherloc (09022015). Collection method: clinical testing. Allele origin: germline.
Comment: While it is unknown if these two variants are on the same or opposite chromosomes, this observation suggests the c.471_473delCTT substitution may contribute to the cause of disease. In summary, this variant is a rare in-frame deletion with uncertain impact on protein function. While it is absent from the population and reported in affected individuals, the available evidence is currently insufficient to determine its role in disease. Therefore, it has been classified as a Variant of Uncertain Significance. Experimental studies and prediction algorithms are not available for this variant, and the functional significance of the deleted amino acid is currently unknown. This variant is not present in population databases (ExAC no frequency). This sequence change deletes 3 nucleotides from exon 4 of the DNAAF1 mRNA (c.471_473delCTT). This leads to the deletion of 1 amino acid residue in the DNAAF1 protein (p.Phe157del) but otherwise preserves the integrity of the reading frame.

NM_178452.6(DNAAF1):c.468CTT[1] (p.Phe157del)

Gene: DNAAF1 (dynein axonemal assembly factor 1; plus strand). Cytogenetic location: 16q24.1.
Variant type: Microsatellite.
Coding change: c.468CTT[1] on transcript NM_178452.6 (MANE Select); one copy of the 3-base unit CTT starting at c.468; the reference has two copies in a row; one copy, 3 bases deleted.
Protein change: p.Phe157del; deletes phenylalanine 157.
Molecular consequence: inframe deletion.
Genome position (GRCh38, 1-based): chr16:84,154,695-84,154,697, CTT deleted; deleting any 3 consecutive bases within chr16:84,154,691-84,154,697 gives the same sequence; the position shown is the placement nearest the transcript's 3' end. VCF-style (leftmost placement, unchanged base first): chr16-84154690-CTCT-C. GRCh37 (hg19) VCF-style: chr16-84188295-CTCT-C.
Other names: short protein forms F157del.
Identifiers: ClinVar variation 455005 (VCV000455005.7), dbSNP rs1555521110, ClinGen allele CA658658507.